The following is an entry in ClinVar:

NM_003000.3(SDHB):c.48A>C (p.Thr16=)

Gene: SDHB (succinate dehydrogenase complex iron sulfur subunit B; minus strand). Cytogenetic location: 1p36.13.
Variant type: single nucleotide variant.
Coding change: c.48A>C on transcript NM_003000.3 (MANE Select); coding-DNA position 48, A replaced by C.
Protein change: p.Thr16=; no amino-acid change (threonine 16 retained).
Molecular consequence: synonymous variant.
Genome position (GRCh38, 1-based): chr1:17,053,972, T>G on the plus strand (A>C on the coding strand, the complement: SDHB is on the minus strand). VCF-style: chr1-17053972-T-G. GRCh37 (hg19) VCF-style: chr1-17380467-T-G.
Identifiers: ClinVar variation 706214 (VCV000706214.15), dbSNP rs1570963474, ClinGen allele CA416048719.

ClinVar aggregate classification (germline): Benign/Likely benign. Review status: criteria provided, multiple submitters, no conflicts (2 of 4 stars). 4 submissions from 4 submitters: Benign (1); Likely benign (3). Last evaluated 2025-07-31.

Conditions:
Gastrointestinal stromal tumor. Also called: Gastrointestinal stromal tumor, somatic; Gastrointestinal stroma tumor. Identifiers: Orphanet 44890, MedGen C0238198, MeSH D046152, MONDO:0011719, OMIM 606764, HP:0100723.
Pheochromocytoma/paraganglioma syndrome 4. Also called: SDHB-Related Hereditary Paraganglioma-Pheochromocytoma Syndrome (Paragangliomas 4); SDHB-Related Hereditary Paraganglioma-Pheochromocytoma Syndrome; CAROTID BODY TUMORS AND MULTIPLE EXTRAADRENAL PHEOCHROMOCYTOMAS; PARAGANGLIOMA, FAMILIAL MALIGNANT; PARAGANGLIOMAS, HEREDITARY EXTRAADRENAL; PHEOCHROMOCYTOMA, FAMILIAL EXTRAADRENAL. Identifiers: Orphanet 29072, MedGen C1861848, MONDO:0007273, OMIM 115310.
Pheochromocytoma. Also called: MAX-Related Hereditary Paraganglioma-Pheochromocytoma Syndrome. Identifiers: Orphanet 29072, MedGen C0031511, MONDO:0008233, OMIM 171300, HP:0002666.
Hereditary cancer-predisposing syndrome. Also called: Neoplastic Syndromes, Hereditary; Hereditary Cancer Syndrome; Hereditary neoplastic syndrome; Tumor predisposition. Identifiers: Orphanet 140162, MedGen C0027672, MeSH D009386, MONDO:0015356.

Allele frequency attached by ClinVar (database versions not stated): gnomAD exomes 0.00001.
gnomAD v4.1: 9 of 1,613,214 alleles (0.00056%); highest among the groups gnomAD compares: Middle Eastern, 0.15%; no homozygotes.

Submissions (4):

Labcorp Genetics (formerly Invitae), Labcorp
Classification: Likely benign for Gastrointestinal stromal tumor; Pheochromocytoma/paraganglioma syndrome 4; Pheochromocytoma. Last evaluated: 2025-07-31. Review status: criteria provided, single submitter. Criteria: Invitae Variant Classification Sherloc (09022015). Collection method: clinical testing. Allele origin: germline.

Myriad Genetics, Inc.
Classification: Benign for Pheochromocytoma/paraganglioma syndrome 4. Last evaluated: 2025-03-12. Review status: criteria provided, single submitter. Criteria: Myriad Autosomal Dominant, Autosomal Recessive and X-Linked Classification Criteria (2023). Collection method: clinical testing. Allele origin: unknown.
Comment: This variant is considered benign. This variant is a silent/synonymous amino acid change and it is not expected to impact splicing.

Ambry Genetics
Classification: Likely benign for Hereditary cancer-predisposing syndrome. Last evaluated: 2022-08-08. Review status: criteria provided, single submitter. Criteria: Ambry Variant Classification Scheme 2023. Collection method: clinical testing. Allele origin: germline.

GeneDx
Classification: Likely benign. Last evaluated: 2019-05-09. Review status: criteria provided, single submitter. Criteria: GeneDx Variant Classification Process June 2021. Collection method: clinical testing. Allele origin: germline. Affected: yes.